The following is an entry in ClinVar:

NM_015981.4(CAMK2A):c.598+1_598+3del

Gene: CAMK2A (calcium/calmodulin dependent protein kinase II alpha; minus strand). Cytogenetic location: 5q32.
Variant type: Microsatellite.
Coding change: c.598+1_598+3del on transcript NM_015981.4 (MANE Select); the canonical splice donor site of the intron after coding-DNA position 598 through 3 bases into the intron after coding-DNA position 598, 3 bases deleted (GTG; older notation c.598+1_598+3delGTG).
Molecular consequence: splice donor variant.
Genome position (GRCh38, 1-based): chr5:150,251,979-150,251,981, CAC deleted on the plus strand (GTG on the coding strand, the reverse complement: CAMK2A is on the minus strand); deleting any 3 consecutive bases within chr5:150,251,979-150,251,984 gives the same sequence; the c. name uses the placement nearest the transcript's 3' end. VCF-style (leftmost placement, unchanged base first): chr5-150251978-TCAC-T. GRCh37 (hg19) VCF-style: chr5-149631541-TCAC-T.
Other names: c.598+1_598+3del (NM_001363990.1, NM_001363989.1, NM_171825.3 and 1 more transcripts).
Identifiers: ClinVar variation 1683879 (VCV001683879.2), dbSNP rs2150280772, ClinGen allele CA2580614775.

ClinVar aggregate classification (germline): Uncertain significance (1 of 4 stars; one submission).

Submission:

GeneDx
Classification: Uncertain significance. Last evaluated: 2022-04-25. Review status: criteria provided, single submitter. Criteria: GeneDx Variant Classification Process June 2021. Collection method: clinical testing. Allele origin: germline. Affected: yes.
Comment: Not observed at significant frequency in large population cohorts (gnomAD); Canonical splice site variant in a gene for which loss-of-function is not a known mechanism of disease; Has not been previously published as pathogenic or benign to our knowledge